The following continues an entry in ClinVar:

NC_000011.10:g.5227172G>A

ClinVar aggregate classification (germline): Pathogenic. Pathogenic (13).

Submissions 13 to 18 of 18:

Women's Health and Genetics/Laboratory Corporation of America, LabCorp
Classification: Pathogenic for beta Thalassemia. Last evaluated: 2017-08-07. Review status: criteria provided, single submitter. Criteria: LabCorp Variant Classification Summary - May 2015. Collection method: clinical testing. Allele origin: germline.
Comment: Variant summary: c.-151C>T affects a non-conserved nucleotide in the promoter of HBB gene. Mutation Taster predicts a damaging outcome for this variant. This prediction was confirmed by a CAT promoter activity assay showing that this variant decreased promoter activity by 70% (Gonzalez-Redondo_1989). This variant was found in 1/31016 control chromosomes at a frequency of 0.0000322, which does not exceed the estimated maximal expected allele frequency of a pathogenic HBB variant (0.0111803). This variant is a well-known pathogenic HBB variant and has been reported in more than thirty unrelated patients with b-thalassemia intermedia. In addition, multiple clinical laboratories/reputable databases classified this variant as pathogenic. Taken together, this variant was classified as pathogenic.

Molecular Genetics Laboratory, BC Children's and BC Women's Hospitals
Classification: Pathogenic for beta Thalassemia. Last evaluated: 2023-09-11. Review status: no assertion criteria provided. Criteria: ACMG Guidelines, 2015. Collection method: clinical testing. Allele origin: germline. Affected: yes. Not counted in ClinVar's aggregate classification.

Counsyl
Classification: Pathogenic for beta Thalassemia. Last evaluated: 2014-04-17. Review status: no assertion criteria provided. Collection method: literature only. Allele origin: unknown. Inheritance: Autosomal recessive inheritance. Not counted in ClinVar's aggregate classification.

OMIM
Classification: Pathogenic for BETA-PLUS-THALASSEMIA. Last evaluated: 1999-12-01. Review status: no assertion criteria provided. Collection method: literature only. Allele origin: germline. Not counted in ClinVar's aggregate classification.

GeneReviews
No classification provided. Condition: beta Thalassemia. Review status: no classification provided. Collection method: literature only. Allele origin: germline. Not counted in ClinVar's aggregate classification.

Genomic Medicine Center of Excellence, King Faisal Specialist Hospital and Research Centre
Classification: Uncertain significance for Malaria, susceptibility to. Last evaluated: 2024-03-25. Review status: flagged submission. Criteria: ACMG Guidelines, 2015. Collection method: clinical testing. Allele origin: germline. Not counted in ClinVar's aggregate classification.
ClinVar note: Reason: Outlier claim with insufficient supporting evidence

Literature cited by the submitters: PubMed 18603555 (cited by Dasa and Women's Health and Genetics/Laboratory Corporation of America, LabCorp); PubMed 27351925 (cited by Dasa); PubMed 11857746 (cited by Dasa and Women's Health and Genetics/Laboratory Corporation of America, LabCorp); PubMed 7683931 (cited by 4 submitters); PubMed 7909640 (cited by Dasa and Counsyl); PubMed 2713503 (cited by 5 submitters); PubMed 2346726 (cited by 4 submitters); PubMed 8980256 (cited by Dasa and Counsyl); PubMed 10606872 (cited by 6 submitters); PubMed 33851260 (cited by Natera, Inc.); PubMed 28385923 (cited by Quest Diagnostics Nichols Institute San Juan Capistrano); PubMed 26076395 (cited by Quest Diagnostics Nichols Institute San Juan Capistrano); PubMed 24754789 (cited by Quest Diagnostics Nichols Institute San Juan Capistrano); PubMed 25480500 (cited by Quest Diagnostics Nichols Institute San Juan Capistrano); PubMed 23590658 (cited by Quest Diagnostics Nichols Institute San Juan Capistrano); PubMed 30820323 (cited by Quest Diagnostics Nichols Institute San Juan Capistrano and Labcorp Genetics (formerly Invitae), Labcorp); PubMed 25677748 (cited by Quest Diagnostics Nichols Institute San Juan Capistrano); PubMed 2001456 (cited by 3 submitters); PubMed 26076396 (cited by Women's Health and Genetics/Laboratory Corporation of America, LabCorp); PubMed 20704537 (cited by Women's Health and Genetics/Laboratory Corporation of America, LabCorp); PubMed 20437613 (cited by Women's Health and Genetics/Laboratory Corporation of America, LabCorp); PubMed 12368169 (cited by Women's Health and Genetics/Laboratory Corporation of America, LabCorp); PubMed 19657836 (cited by Women's Health and Genetics/Laboratory Corporation of America, LabCorp); PubMed 2200760 (cited by Women's Health and Genetics/Laboratory Corporation of America, LabCorp); PubMed 17145605 (cited by Women's Health and Genetics/Laboratory Corporation of America, LabCorp); PubMed 9140720 (cited by Women's Health and Genetics/Laboratory Corporation of America, LabCorp); PubMed 18096416 (cited by Women's Health and Genetics/Laboratory Corporation of America, LabCorp); PubMed 18976160 (cited by Women's Health and Genetics/Laboratory Corporation of America, LabCorp); PubMed 9401495 (cited by Women's Health and Genetics/Laboratory Corporation of America, LabCorp); PubMed 14734204 (cited by Women's Health and Genetics/Laboratory Corporation of America, LabCorp); PubMed 8172199 (cited by Counsyl); PubMed 2753736 (cited by OMIM); NCBI Bookshelf NBK1426 (cited by GeneReviews).